The following is an entry in ClinVar:

ClinVar aggregate classification (germline): Likely benign. Review status: criteria provided, multiple submitters, no conflicts (2 of 4 stars). 5 submissions from 5 submitters: Likely benign (5). Last evaluated 2025-09-22.

Conditions:
Cardiomyopathy (CMYO). Also called: Cardiomyopathies. Identifiers: Orphanet 167848, MedGen C0878544, MONDO:0004994, HP:0001638. Inheritance: Various modes of inheritance.
Cardiovascular phenotype. Identifiers: MedGen CN230736.
Hypertrophic cardiomyopathy. Also called: HYPERTROPHIC MYOCARDIOPATHY. Identifiers: Orphanet 217569, MedGen C0007194, MeSH D002312, MONDO:0005045, HP:0001639.

Allele frequency attached by ClinVar (database versions not stated): ExAC 0.00001; gnomAD 0.00001 and 0.00002; gnomAD exomes 0.00002; TOPMed 0.00002; ESP Exome Variant Server 0.00008.

Submissions (5):

Labcorp Genetics (formerly Invitae), Labcorp
Classification: Likely benign for Hypertrophic cardiomyopathy. Last evaluated: 2025-09-22. Review status: criteria provided, single submitter. Criteria: Invitae Variant Classification Sherloc (09022015). Collection method: clinical testing. Allele origin: germline.

All of Us Research Program, National Institutes of Health
Classification: Likely benign for Hypertrophic cardiomyopathy. Last evaluated: 2023-10-23. Review status: criteria provided, single submitter. Criteria: ACMG Guidelines, 2015. Collection method: clinical testing. Allele origin: germline. Inheritance: Autosomal dominant inheritance. Observed: 2 variant alleles, 2 heterozygotes.
Comment: This study involves interpretation of variants in research participants for the purpose of population health screening. Participant phenotype was not available at the time of variant classification. Additional details can be found in publication PMID: 35346344, PMCID: PMC8962531

Blueprint Genetics
Classification: Likely benign. Last evaluated: 2023-06-19. Review status: criteria provided, single submitter. Criteria: ACMG Guidelines, 2015. Collection method: clinical testing. Allele origin: germline.

Color Diagnostics, LLC DBA Color Health
Classification: Likely benign for Cardiomyopathy. Last evaluated: 2019-08-02. Review status: criteria provided, single submitter. Criteria: ACMG Guidelines, 2015. Collection method: clinical testing. Allele origin: germline.

Ambry Genetics
Classification: Likely benign for Cardiovascular phenotype. Last evaluated: 2019-07-30. Review status: criteria provided, single submitter. Criteria: Ambry Variant Classification Scheme 2023. Collection method: clinical testing. Allele origin: germline.

NM_000256.3(MYBPC3):c.2124C>T (p.Ser708=)

Gene: MYBPC3 (myosin binding protein C3; minus strand). Cytogenetic location: 11p11.2.
Variant type: single nucleotide variant.
Coding change: c.2124C>T on transcript NM_000256.3 (MANE Select); coding-DNA position 2124, C replaced by T.
Protein change: p.Ser708=; no amino-acid change (serine 708 retained).
Molecular consequence: synonymous variant.
Genome position (GRCh38, 1-based): chr11:47,339,348, G>A on the plus strand (C>T on the coding strand, the complement: MYBPC3 is on the minus strand). VCF-style: chr11-47339348-G-A. GRCh37 (hg19) VCF-style: chr11-47360899-G-A.
Identifiers: ClinVar variation 926545 (VCV000926545.14), dbSNP rs113658284, ClinGen allele CA078517.
Genomic context (GRCh38, chr11:47,339,348, plus strand): 5'-ACAAACGAGCCTCCTCCTGACCTCAGTCTCACTCACCTTCTTGTCAAACACCCACTCATC[G>A]CTGTCACCTGTGTCCTCTGGGGCATCTGGGGCTGGCCTGGCTGGGGCCTTATTCCCCTGG-3'
Protein context (NP_000247.2, residues 698-718): APDAPEDTGD[Ser708=]DEWVFDKKLL